The following is an entry in ClinVar:

NM_000276.4(OCRL):c.2469+1G>A

Gene: OCRL (OCRL inositol polyphosphate-5-phosphatase; plus strand). Cytogenetic location: Xq26.1.
Variant type: single nucleotide variant.
Coding change: c.2469+1G>A on transcript NM_000276.4 (MANE Select); the canonical splice donor site of the intron after coding-DNA position 2469, G replaced by A.
Molecular consequence: splice donor variant.
Genome position (GRCh38, 1-based): chrX:129,589,014, G>A. VCF-style: chrX-129589014-G-A. GRCh37 (hg19) VCF-style: chrX-128722991-G-A.
Other names: c.2472+1G>A (NM_001318784.2); c.2445+1G>A (NM_001587.4).
Identifiers: ClinVar variation 835463 (VCV000835463.8), dbSNP rs1936553500, ClinGen allele CA414631610.

ClinVar aggregate classification (germline): Pathogenic (1 of 4 stars; one submission).

Conditions:
Lowe syndrome (OCRL). Also called: Oculocerebrorenal Syndrome; LOWE OCULOCEREBRORENAL SYNDROME; PHOSPHATIDYLINOSITOL 4,5-BISPHOSPHATE 5-PHOSPHATASE DEFICIENCY. Identifiers: Orphanet 534, MedGen C0028860, MONDO:0010645, OMIM 309000.

Submission:

Labcorp Genetics (formerly Invitae), Labcorp
Classification: Pathogenic for Lowe syndrome. Last evaluated: 2022-03-22. Review status: criteria provided, single submitter. Criteria: Invitae Variant Classification Sherloc (09022015). Collection method: clinical testing. Allele origin: germline.
Comment: For these reasons, this variant has been classified as Pathogenic. Algorithms developed to predict the effect of sequence changes on RNA splicing suggest that this variant may disrupt the consensus splice site. ClinVar contains an entry for this variant (Variation ID: 835463). Disruption of this splice site has been observed in individuals with clinical features of Lowe syndrome (PMID: 21031565; Invitae). This variant is not present in population databases (gnomAD no frequency). This sequence change affects a donor splice site in intron 22 of the OCRL gene. It is expected to disrupt RNA splicing. Variants that disrupt the donor or acceptor splice site typically lead to a loss of protein function (PMID: 16199547), and loss-of-function variants in OCRL are known to be pathogenic (PMID: 19390221, 21031565, 22381590).

Literature cited by the submitters: PubMed 21031565; PubMed 16199547; PubMed 19390221; PubMed 22381590.